The following is an entry in ClinVar:

ClinVar aggregate classification (germline): Uncertain significance. Review status: criteria provided, multiple submitters, no conflicts (2 of 4 stars). 4 submissions from 4 submitters: Uncertain significance (3). 1 of the submissions does not count toward it. Last evaluated 2024-10-25.

Conditions:
Inborn genetic diseases. Identifiers: MedGen C0950123, MeSH D030342.
Autosomal recessive limb-girdle muscular dystrophy type 2O. Also called: MUSCULAR DYSTROPHY-DYSTROGLYCANOPATHY (LIMB-GIRDLE), TYPE C, 3; MUSCULAR DYSTROPHY-DYSTROGLYCANOPATHY, LIMB-GIRDLE, POMGNT1-RELATED; Limb-Girdle Muscular Dystrophy Type 3C. Identifiers: Orphanet 206564, MedGen C3150417, MONDO:0013161, OMIM 613157.
Muscular dystrophy-dystroglycanopathy (congenital with impaired intellectual development), type B, 3. Also called: MUSCULAR DYSTROPHY, CONGENITAL, POMGNT1-RELATED; Muscular dystrophy-dystroglycanopathy (congenital with intellectual disability), type B3. Identifiers: MedGen C3150412, MONDO:0013155, OMIM 613151.
Muscle eye brain disease (MEB). Also called: Santavuori congenital muscular dystrophy. Identifiers: Orphanet 588, Orphanet 899, MedGen C0457133, MONDO:0018939.

Allele frequency attached by ClinVar (database versions not stated): gnomAD 0.00001; TOPMed 0.00001; gnomAD exomes 0.00002; ExAC 0.00003.
gnomAD v4.1: 75 of 1,613,702 alleles (0.0046%); highest among the groups gnomAD compares: Non-Finnish European, 0.0061%; no homozygotes.

Submissions (4):

Labcorp Genetics (formerly Invitae), Labcorp
Classification: Uncertain significance for Autosomal recessive limb-girdle muscular dystrophy type 2O; Muscular dystrophy-dystroglycanopathy (congenital with impaired intellectual development), type B, 3. Last evaluated: 2024-10-25. Review status: criteria provided, single submitter. Criteria: Invitae Variant Classification Sherloc (09022015). Collection method: clinical testing. Allele origin: germline.
Comment: This sequence change replaces alanine, which is neutral and non-polar, with serine, which is neutral and polar, at codon 594 of the POMGNT1 protein (p.Ala594Ser). This variant is present in population databases (rs749960797, gnomAD 0.005%). This variant has not been reported in the literature in individuals affected with POMGNT1-related conditions. ClinVar contains an entry for this variant (Variation ID: 848867). Invitae Evidence Modeling of protein sequence and biophysical properties (such as structural, functional, and spatial information, amino acid conservation, physicochemical variation, residue mobility, and thermodynamic stability) has been performed for this missense variant. However, the output from this modeling did not meet the statistical confidence thresholds required to predict the impact of this variant on POMGNT1 protein function. In summary, the available evidence is currently insufficient to determine the role of this variant in disease. Therefore, it has been classified as a Variant of Uncertain Significance.

Ambry Genetics
Classification: Uncertain significance for Inborn genetic diseases. Last evaluated: 2023-12-12. Review status: criteria provided, single submitter. Criteria: Ambry Variant Classification Scheme 2023. Collection method: clinical testing. Allele origin: germline.

Blueprint Genetics
Classification: Uncertain significance. Last evaluated: 2021-11-25. Review status: criteria provided, single submitter. Criteria: ACMG Guidelines, 2015. Collection method: clinical testing. Allele origin: germline.

Natera, Inc.
Classification: Uncertain significance for Muscle-eye-brain disease. Last evaluated: 2021-06-10. Review status: no assertion criteria provided. Collection method: clinical testing. Allele origin: germline. Not counted in ClinVar's aggregate classification.

NM_017739.4(POMGNT1):c.1780G>T (p.Ala594Ser)

Genes: POMGNT1 (protein O-linked mannose N-acetylglucosaminyltransferase 1 (beta 1,2-); minus strand), TSPAN1 (tetraspanin 1; plus strand). Cytogenetic location: 1p34.1.
Variant type: single nucleotide variant.
Coding change: c.1780G>T on transcript NM_017739.4 (MANE Select); coding-DNA position 1780, G replaced by T.
Protein change: p.Ala594Ser; replaces alanine 594 with serine.
Molecular consequence: missense variant.
Genome position (GRCh38, 1-based): chr1:46,189,859, C>A on the plus strand (G>T on the coding strand, the complement: POMGNT1 is on the minus strand). VCF-style: chr1-46189859-C-A. GRCh37 (hg19) VCF-style: chr1-46655531-C-A.
Other names: c.1780G>T, p.Ala594Ser (NM_001243766.2, NM_001410783.1); c.1714G>T, p.Ala572Ser (NM_001290129.3); c.1351G>T, p.Ala451Ser (NM_001290130.2); short protein forms A451S, A572S, A594S.
Identifiers: ClinVar variation 848867 (VCV000848867.8), dbSNP rs749960797, ClinGen allele CA833245.